The following is an entry in ClinVar:

ClinVar aggregate classification (germline): Uncertain significance. Review status: criteria provided, multiple submitters, no conflicts (2 of 4 stars). 2 submissions from 2 submitters: Uncertain significance (2). Last evaluated 2022-07-12.

Conditions:
Very long chain acyl-CoA dehydrogenase deficiency (ACADVLD). Also called: VLCAD Deficiency; Very Long-Chain Acyl-Coenzyme A Dehydrogenase Deficiency. Identifiers: Orphanet 26793, MedGen C3887523, MONDO:0008723, OMIM 201475.

Allele frequency attached by ClinVar (database versions not stated): gnomAD 0.00001; TOPMed 0.00001.
gnomAD v4.1: 9 of 1,613,982 alleles (0.00056%); highest among the groups gnomAD compares: African/African-American, 0.004%; no homozygotes.

Submissions (2):

Labcorp Genetics (formerly Invitae), Labcorp
Classification: Uncertain significance for Very long chain acyl-CoA dehydrogenase deficiency. Last evaluated: 2022-07-12. Review status: criteria provided, single submitter. Criteria: Invitae Variant Classification Sherloc (09022015). Collection method: clinical testing. Allele origin: germline.
Comment: This sequence change replaces proline, which is neutral and non-polar, with alanine, which is neutral and non-polar, at codon 108 of the ACADVL protein (p.Pro108Ala). This variant is not present in population databases (gnomAD no frequency). This variant has not been reported in the literature in individuals affected with ACADVL-related conditions. ClinVar contains an entry for this variant (Variation ID: 285851). Algorithms developed to predict the effect of missense changes on protein structure and function (SIFT, PolyPhen-2, Align-GVGD) all suggest that this variant is likely to be disruptive. In summary, the available evidence is currently insufficient to determine the role of this variant in disease. Therefore, it has been classified as a Variant of Uncertain Significance.

Eurofins Ntd Llc (ga)
Classification: Uncertain significance. Last evaluated: 2016-01-19. Review status: criteria provided, single submitter. Criteria: EGL Classification Definitions 2015. Collection method: clinical testing. Allele origin: germline. Observed: 1 variant allele, 1 heterozygote.

NM_000018.4(ACADVL):c.322C>G (p.Pro108Ala)

Gene: ACADVL (acyl-CoA dehydrogenase very long chain; plus strand). Cytogenetic location: 17p13.1.
Variant type: single nucleotide variant.
Coding change: c.322C>G on transcript NM_000018.4 (MANE Select); coding-DNA position 322, C replaced by G.
Protein change: p.Pro108Ala; replaces proline 108 with alanine.
Molecular consequence: missense variant.
Genome position (GRCh38, 1-based): chr17:7,220,810, C>G. VCF-style: chr17-7220810-C-G. GRCh37 (hg19) VCF-style: chr17-7124129-C-G.
Other names: c.256C>G, p.Pro86Ala (NM_001033859.3); c.391C>G, p.Pro131Ala (NM_001270447.2); c.94C>G, p.Pro32Ala (NM_001270448.2); short protein forms P108A, P32A, P131A, P86A.
Identifiers: ClinVar variation 285851 (VCV000285851.7), dbSNP rs886043235, ClinGen allele CA10605274.